The following is an entry in ClinVar:

ClinVar aggregate classification (germline): Uncertain significance (1 of 4 stars; one submission).

Submission:

GeneDx
Classification: Uncertain significance. Last evaluated: 2019-04-02. Review status: criteria provided, single submitter. Criteria: GeneDx Variant Classification Process June 2021. Collection method: clinical testing. Allele origin: germline. Affected: yes.
Comment: Not observed in large population cohorts (Lek et al., 2016); In silico analysis, which includes splice predictors and evolutionary conservation, supports that this variant is not predicted to affect splicing; Has not been previously published as pathogenic or benign to our knowledge

NM_001330078.2(NRXN1):c.1158+18T>C

Gene: NRXN1 (neurexin 1; minus strand). Cytogenetic location: 2p16.3.
Variant type: single nucleotide variant.
Coding change: c.1158+18T>C on transcript NM_001330078.2 (MANE Select); 18 bases into the intron after coding-DNA position 1158, T replaced by C.
Molecular consequence: intron variant. On other transcripts: synonymous variant (3).
Genome position (GRCh38, 1-based): chr2:50,621,208, A>G on the plus strand (T>C on the coding strand, the complement: NRXN1 is on the minus strand). VCF-style: chr2-50621208-A-G. GRCh37 (hg19) VCF-style: chr2-50848346-A-G.
Other names: c.1275T>C, p.Cys425= (NM_001135659.3); c.1116T>C, p.Cys372= (NM_001330083.2, NM_001330084.2); c.1075-1025T>C (NM_001330096.2, NM_001330087.2); c.1105-1025T>C (NM_001330088.2); c.1155+18T>C (NM_001330093.2); c.1146+18T>C (NM_001330094.2); c.1135-1025T>C (NM_001330095.2, NM_001330082.2, NM_001330077.2); c.1158+18T>C (NM_001330085.2, NM_004801.6, NM_001330086.2).
Identifiers: ClinVar variation 1318608 (VCV001318608.2), dbSNP rs2104260363, ClinGen allele CA426104288.